The following is an entry in ClinVar:

ClinVar aggregate classification (germline): Likely pathogenic. Review status: criteria provided, multiple submitters, no conflicts (2 of 4 stars). 3 submissions from 3 submitters: Likely pathogenic (2). 1 of the submissions does not count toward it. Last evaluated 2025-03-20.

Conditions:
Niemann-Pick disease, type A. Also called: SPHINGOMYELIN LIPIDOSIS; SPHINGOMYELINASE DEFICIENCY; Infantile Neurovisceral ASMD (Niemann-Pick Disease Type A; NPD-A). Identifiers: Orphanet 77292, MedGen C0268242, MONDO:0009756, OMIM 257200. Disease mechanism: loss of function.
Niemann-Pick disease, type B. Also called: Chronic Visceral ASMD (Niemann-Pick Disease Type B; NPD-B). Identifiers: Orphanet 77293, MedGen C0268243, MONDO:0011871, OMIM 607616. Disease mechanism: loss of function.

Allele frequency attached by ClinVar (database versions not stated): gnomAD exomes below 0.00001; ExAC 0.00001; gnomAD 0.00001.

Submissions (3):

Natera, Inc.
Classification: Likely pathogenic for Niemann-Pick Disease, Types A/B. Last evaluated: 2025-03-20. Review status: criteria provided, single submitter. Criteria: Natera Variant Classification Schema (03/2026). Collection method: clinical testing. Allele origin: germline.
Comment: The c.1801G>A variant in SMPD1 is a missense variant predicted to cause substitution of alanine to threonine at amino acid 601. This variant is rare in the general population with a frequency below the threshold expected for the associated phenotype(s). This variant has been observed in one or more individuals affected with the associated recessive disease, as either homozygous or compound heterozygous with a second variant (PMID: 9042807, 27884455). Functional studies show that this variant may disrupt protein function (PMID: 9042807). Computational prediction algorithms indicate this variant is likely to affect gene or protein function. Given the available evidence, this variant is classified as Likely Pathogenic.

Labcorp Genetics (formerly Invitae), Labcorp
Classification: Likely pathogenic for Niemann-Pick disease, type B; Niemann-Pick disease, type A. Last evaluated: 2023-08-04. Review status: criteria provided, single submitter. Criteria: Invitae Variant Classification Sherloc (09022015). Collection method: clinical testing. Allele origin: germline.
Comment: In summary, the currently available evidence indicates that the variant is pathogenic, but additional data are needed to prove that conclusively. Therefore, this variant has been classified as Likely Pathogenic. Advanced modeling of protein sequence and biophysical properties (such as structural, functional, and spatial information, amino acid conservation, physicochemical variation, residue mobility, and thermodynamic stability) performed at Invitae indicates that this missense variant is expected to disrupt SMPD1 protein function. ClinVar contains an entry for this variant (Variation ID: 555615). This missense change has been observed in individual(s) with acid sphingomyelinase deficiency (PMID: 27884455; Invitae). In at least one individual the data is consistent with being in trans (on the opposite chromosome) from a pathogenic variant. This variant is present in population databases (rs750433951, gnomAD 0.0009%). This sequence change replaces alanine, which is neutral and non-polar, with threonine, which is neutral and polar, at codon 601 of the SMPD1 protein (p.Ala601Thr).

Counsyl
Classification: Uncertain significance for Niemann-Pick disease, type A. Last evaluated: 2017-12-14. Review status: no assertion criteria provided. Collection method: clinical testing. Allele origin: unknown. Not counted in ClinVar's aggregate classification.

Literature cited by the submitters: PubMed 9042807 (cited by Natera, Inc. and Counsyl); PubMed 27884455 (cited by Natera, Inc. and Labcorp Genetics (formerly Invitae), Labcorp).

NM_000543.5(SMPD1):c.1801G>A (p.Ala601Thr)

Gene: SMPD1 (sphingomyelin phosphodiesterase 1; plus strand). Cytogenetic location: 11p15.4.
Variant type: single nucleotide variant.
Coding change: c.1801G>A on transcript NM_000543.5 (MANE Select); coding-DNA position 1801, G replaced by A.
Protein change: p.Ala601Thr; replaces alanine 601 with threonine.
Molecular consequence: missense variant. On other transcripts: non-coding transcript variant (2), 3 prime UTR variant (1).
Genome position (GRCh38, 1-based): chr11:6,394,512, G>A. VCF-style: chr11-6394512-G-A. GRCh37 (hg19) VCF-style: chr11-6415742-G-A.
Other names: c.1669G>A, p.Ala557Thr (NM_001365135.2); c.1798G>A, p.Ala600Thr (NM_001007593.3); c.*294G>A (NM_001318087.2); c.880G>A, p.Ala294Thr (NM_001318088.2); short protein forms A601T, A557T, A294T, A600T.
Identifiers: ClinVar variation 555615 (VCV000555615.13), dbSNP rs750433951, ClinGen allele CA5852991.